The following is an entry in ClinVar:

NC_000023.10:g.(?_85282475)_(85302634_?)dup

Gene: CHM (CHM Rab escort protein; minus strand). Cytogenetic location: Xq21.2.
Variant type: Duplication.
Identifiers: ClinVar variation 2423016 (VCV002423016.3).

ClinVar aggregate classification (germline): Uncertain significance (1 of 4 stars; one submission).

Submission:

Labcorp Genetics (formerly Invitae), Labcorp
Classification: Uncertain significance. Last evaluated: 2022-08-23. Review status: criteria provided, single submitter. Criteria: Invitae Variant Classification Sherloc (09022015). Collection method: clinical testing. Allele origin: germline.
Comment: This variant results in a copy number gain of the genomic region encompassing exon(s) 1-2 of the CHM gene. This region includes the initiator codon of the gene. This copy number gain extends beyond the assayed region for this gene and therefore may encompass additional genes. As the precise location of this event is unknown, it may be in tandem or it may be located elsewhere in the genome. This variant has not been reported in the literature in individuals affected with CHM-related conditions. Experimental studies and prediction algorithms are not available or were not evaluated, and the functional significance of this variant is currently unknown. In summary, the available evidence is currently insufficient to determine the role of this variant in disease. Therefore, it has been classified as a Variant of Uncertain Significance.